The following is an entry in ClinVar:

ClinVar aggregate classification (germline): Uncertain significance (1 of 4 stars; one submission).

Submission:

Ambry Genetics
Classification: Uncertain significance. Last evaluated: 2025-04-14. Review status: criteria provided, single submitter. Criteria: Ambry Variant Classification Scheme 2023. Collection method: clinical testing. Allele origin: germline.
Comment: The p.P30Q variant (also known as c.89C>A), located in coding exon 1 of the ATRIP gene, results from a C to A substitution at nucleotide position 89. The proline at codon 30 is replaced by glutamine, an amino acid with similar properties. This amino acid position is conserved. In addition, the in silico prediction for this alteration is inconclusive. Based on the available evidence, the clinical significance of this variant remains unclear.

NM_130384.3(ATRIP):c.89C>A (p.Pro30Gln)

Genes: ATRIP (ATR interacting protein; plus strand), ATRIP-TREX1 (ATRIP-TREX1 readthrough; plus strand), LOC129936703 (ATAC-STARR-seq lymphoblastoid silent region 14331; plus strand). Cytogenetic location: 3p21.31.
Variant type: single nucleotide variant.
Coding change: c.89C>A on transcript NM_130384.3 (MANE Select); coding-DNA position 89, C replaced by A.
Protein change: p.Pro30Gln; replaces proline 30 with glutamine.
Molecular consequence: missense variant. On other transcripts: non-coding transcript variant (1), intron variant (1).
Genome position (GRCh38, 1-based): chr3:48,446,934, C>A. VCF-style: chr3-48446934-C-A. GRCh37 (hg19) VCF-style: chr3-48488338-C-A.
Other names: c.89C>A, p.Pro30Gln (NM_032166.4); c.-218+135C>A (NM_001271022.2); short protein forms P30Q.
Identifiers: ClinVar variation 3976135 (VCV003976135.1).